The following is an entry in ClinVar:

NM_018896.5(CACNA1G):c.6806_6807del (p.Ser2269fs)

Gene: CACNA1G (calcium voltage-gated channel subunit alpha1 G; plus strand). Cytogenetic location: 17q21.33.
Variant type: Microsatellite.
Coding change: c.6806_6807del on transcript NM_018896.5 (MANE Select); coding-DNA positions 6806 to 6807, 2 bases deleted (CT; older notation c.6806_6807delCT).
Protein change: p.Ser2269fs; shifts the reading frame from serine 2269.
Molecular consequence: frameshift variant. On other transcripts: non-coding transcript variant (5).
Genome position (GRCh38, 1-based): chr17:50,626,423-50,626,424, CT deleted; deleting any 2 consecutive bases within chr17:50,626,421-50,626,424 gives the same sequence; the c. name uses the placement nearest the transcript's 3' end. VCF-style (leftmost placement, unchanged base first): chr17-50626420-ACT-A. GRCh37 (hg19) VCF-style: chr17-48703781-ACT-A.
Other names: c.6617_6618del, p.Ser2206fs (NM_001256324.2); c.6548_6549del, p.Ser2183fs (NM_001256325.2); c.6536_6537del, p.Ser2179fs (NM_001256326.2); c.6506_6507del, p.Ser2169fs (NM_001256327.2); c.6452_6453del, p.Ser2151fs (NM_001256328.2); c.6425_6426del, p.Ser2142fs (NM_001256329.2, NM_198387.3); c.6392_6393del, p.Ser2131fs (NM_001256330.2); c.6371_6372del, p.Ser2124fs (NM_001256331.2); and 19 more; short protein forms S2086fs, S2142fs, S2153fs, S2158fs, S2190fs, S2224fs, S2269fs, S2131fs.
Identifiers: ClinVar variation 2077826 (VCV002077826.2), dbSNP rs762810250, ClinGen allele CA8653733.
Genomic context (GRCh38, chr17:50,626,420, plus strand): 5'-GCGTGGAGGCCCAGAGCTGCCAGCGCCGGCCTACGTCCTGGCTGGATGAGCAGAGGAGAC[ACT>A]CTATCGCCGTCAGCTGCCTGGACAGCGGCTCCCAACCCCACCTGGGCACAGACCCCTCTA-3'

ClinVar aggregate classification (germline): Uncertain significance. Review status: criteria provided, multiple submitters, no conflicts (2 of 4 stars). 2 submissions from 2 submitters: Uncertain significance (2). Last evaluated 2023-04-05.

Conditions:
CACNA1G-related disorder. Also called: CACNA1G-related disorders; CACNA1G-related condition.

Submissions (2):

PreventionGenetics, part of Exact Sciences
Classification: Uncertain significance for CACNA1G-related condition. Last evaluated: 2023-04-05. Review status: criteria provided, single submitter. Criteria: ACMG Guidelines, 2015. Collection method: clinical testing. Allele origin: germline.
Comment: The CACNA1G c.6806_6807delCT variant is predicted to result in a frameshift and premature protein termination (p.Ser2269Tyrfs*20). This variant was reported in the homozygous state in an individual with myoclonic-astatic epilepsy (Strauss et al. 2018. PubMed ID: 28726809). It is located in the last exon of the CACNA1G gene, and no other early termination changes have been reported as causative downstream. This variant is reported in 0.0049% of alleles in individuals of European (Non-Finnish) descent in gnomAD. At this time, the clinical significance of this variant is uncertain due to the absence of conclusive functional and genetic evidence.

Labcorp Genetics (formerly Invitae), Labcorp
Classification: Uncertain significance. Last evaluated: 2021-12-08. Review status: criteria provided, single submitter. Criteria: Invitae Variant Classification Sherloc (09022015). Collection method: clinical testing. Allele origin: germline.
Comment: This sequence change creates a premature translational stop signal (p.Ser2269Tyrfs*20) in the CACNA1G gene. While this is not anticipated to result in nonsense mediated decay, it is expected to disrupt the last 109 amino acid(s) of the CACNA1G protein. This variant has not been reported in the literature in individuals affected with CACNA1G-related conditions. In summary, the available evidence is currently insufficient to determine the role of this variant in disease. Therefore, it has been classified as a Variant of Uncertain Significance.